The following is an entry in ClinVar:

ClinVar aggregate classification (germline): Pathogenic. Review status: reviewed by expert panel (3 of 4 stars). 3 submissions from 3 submitters: Pathogenic (1). 2 of the submissions do not count toward it. Last evaluated 2025-09-05.

Conditions:
RPGR-related disorder. Also called: RPGR-related condition.
RPGR-related retinopathy. Also called: RPGR retinopathy. Identifiers: MedGen CN305589, MONDO:0100437.
Primary ciliary dyskinesia. Also called: Ciliary dyskinesia. Identifiers: Orphanet 244, MedGen C0008780, MONDO:0016575, HP:0012265.

Submissions (3):

ClinGen X-linked Inherited Retinal Disease Variant Curation Expert Panel, ClinGen
Classification: Pathogenic for RPGR-related retinopathy. Last evaluated: 2025-09-05. Review status: reviewed by expert panel. Criteria: ClinGen X LinkedIRD ACMG Specifications RPGR V1.0.0. Collection method: curation. Allele origin: germline. Inheritance: X-linked inheritance.
Comment: NM_001034853.2(RPGR):c.2506del (p.Glu836LysfsTer?) is a frameshift variant due to 1-nucleotide deletion in codon 836 introducing a premature stop codon in exon 15 of 15 that is predicted to disrupt a critical C-terminal region required for proper glutamylation of RPGR (PVS1, PMID: 36445968). This variant is absent from gnomAD v4.1.0 (PM2_Supporting). At least one proband harboring this variant exhibits a phenotype including presentation with night blindness (0.5 pts) with onset at age 10 years (1 pt), reduced visual acuity (0.5 pts), reduced rod electroretinogram responses, pigment deposits in the periphery (0.5 pts), severe macular degeneration, and genotyping by next-generation sequencing with a panel of 483 genes identifying no alternative basis for retinal disease (2 pts), which together are specific for RPGR-related retinopathy (4.5 points, PMID: 36276946, PP4). In summary, this variant is classified as pathogenic for RPGR-related retinopathy based on the ClinGen X-linked Inherited Retinal Disease Expert Panel Specifications to the ACMG/AMP Variant Interpretation Guidelines for RPGR Version 1.0.0; PVS1, PM2_Supporting, and PP4.

PreventionGenetics, part of Exact Sciences
Classification: Pathogenic for RPGR-related condition. Last evaluated: 2026-09-25. Review status: criteria provided, single submitter. Criteria: ACMG Guidelines, 2015. Collection method: clinical testing. Allele origin: germline. Not counted in ClinVar's aggregate classification.
Comment: The RPGR c.2506delG variant is predicted to result in a frameshift and premature protein termination (p.Glu836Lysfs*253). This variant, also known as ORF15+753del, has been reported in the hemizygous state in individuals with retinitis pigmentosa (Pelletier et al. 2007. PubMed ID: 16969763; Liu et al. 2022. PubMed ID: 36276946). This variant has not been documented in a large population database (gnomAD), indicating this variant is rare. Frameshift variants in RPGR are expected to be pathogenic and therefore we interpret c.2506del (p.Glu836Lysfs*253) as pathogenic.

Labcorp Genetics (formerly Invitae), Labcorp
Classification: Pathogenic for Primary ciliary dyskinesia. Last evaluated: 2023-06-28. Review status: criteria provided, single submitter. Criteria: Invitae Variant Classification Sherloc (09022015). Collection method: clinical testing. Allele origin: germline. Not counted in ClinVar's aggregate classification.
Comment: This sequence change creates a premature translational stop signal (p.Glu836Lysfs*253) in the RPGR (ORF15) gene. While this is not anticipated to result in nonsense mediated decay, it is expected to disrupt the last 317 amino acid(s) of the RPGR (ORF15) protein. This variant is not present in population databases (gnomAD no frequency). This premature translational stop signal has been observed in individuals with retinitis pigmentosa (PMID: 16969763, 17195164, 18552978, 33090715). This variant is also known as ORF15+753delG, p.ORF15+E251fs, and p.Glu251LysfsX253. ClinVar contains an entry for this variant (Variation ID: 1802335). This variant disrupts a region of the RPGR (ORF15) protein in which other variant(s) (p.Leu1130Lysfs*13) have been determined to be pathogenic (PMID: 22264887). This suggests that this is a clinically significant region of the protein, and that variants that disrupt it are likely to be disease-causing. For these reasons, this variant has been classified as Pathogenic.

Literature cited by the submitters: PubMed 16969763 (cited by Labcorp Genetics (formerly Invitae), Labcorp); PubMed 17195164 (cited by Labcorp Genetics (formerly Invitae), Labcorp); PubMed 18552978 (cited by Labcorp Genetics (formerly Invitae), Labcorp); PubMed 33090715 (cited by Labcorp Genetics (formerly Invitae), Labcorp); PubMed 22264887 (cited by Labcorp Genetics (formerly Invitae), Labcorp).

NM_001034853.2(RPGR):c.2506del (p.Glu836fs)

Gene: RPGR (retinitis pigmentosa GTPase regulator; minus strand). Cytogenetic location: Xp11.4.
Variant type: Deletion.
Coding change: c.2506del on transcript NM_001034853.2 (MANE Select); coding-DNA position 2506, one base deleted (G; older notation c.2506delG).
Protein change: p.Glu836fs; shifts the reading frame from glutamic acid 836.
Molecular consequence: frameshift variant. On other transcripts: intron variant (8).
Genome position (GRCh38, 1-based): chrX:38,286,493, C deleted on the plus strand (G on the coding strand, the reverse complement: RPGR is on the minus strand); the first of 5 consecutive C bases (chrX:38,286,493-38,286,497); deleting any one gives the same sequence. VCF-style (leftmost placement, unchanged base first): chrX-38286492-TC-T. GRCh37 (hg19) VCF-style: chrX-38145745-TC-T.
Other names: NM_001034853.2(RPGR):c.2506del; p.Glu836fs; c.2506delG (NM_001034853.1); c.1569+4466del (NM_001367249.1, NM_001367250.1); c.1902+601del (NM_001367245.1); c.1386+4466del (NM_001367251.1); c.1719+601del (NM_001367246.1); c.1572+4466del (NM_001367247.1); and 2 more; short protein forms E836fs.
Identifiers: ClinVar variation 1802335 (VCV001802335.7), dbSNP rs1569236971, ClinGen allele CA2579584446.